The following is an entry in ClinVar:

NM_000540.3(RYR1):c.11000A>G (p.His3667Arg)

Gene: RYR1 (ryanodine receptor 1; plus strand). Cytogenetic location: 19q13.2.
Variant type: single nucleotide variant.
Coding change: c.11000A>G on transcript NM_000540.3 (MANE Select); coding-DNA position 11000, A replaced by G.
Protein change: p.His3667Arg; replaces histidine 3667 with arginine.
Molecular consequence: missense variant.
Genome position (GRCh38, 1-based): chr19:38,528,661, A>G. VCF-style: chr19-38528661-A-G. GRCh37 (hg19) VCF-style: chr19-39019301-A-G.
Other names: c.10985A>G, p.His3662Arg (NM_001042723.2); short protein forms H3667R, H3662R.
Identifiers: ClinVar variation 2047794 (VCV002047794.9), dbSNP rs1449554304, ClinGen allele CA405649807.

ClinVar aggregate classification (germline): Uncertain significance. Review status: criteria provided, multiple submitters, no conflicts (2 of 4 stars). 6 submissions from 6 submitters: Uncertain significance (6). Last evaluated 2024-12-18.

Conditions:
RYR1-related disorder. Also called: RYR1-related condition; RYR1-related disorders. Identifiers: MedGen CN239331.
Malignant hyperthermia, susceptibility to, 1 (MHS1). Also called: Malignant hyperthermia suceptibility 1; Anesthesia related hyperthermia; Malignant hyperpyrexia; Fulminating hyperpyrexia; Pharmacogenic myopathy; RYR1-Related Malignant Hyperthermia Susceptibility. Identifiers: Orphanet 423, MedGen C2930980, MONDO:0007783, OMIM 145600.
Inborn genetic diseases. Identifiers: MedGen C0950123, MeSH D030342.

Allele frequency attached by ClinVar (database versions not stated): gnomAD exomes 0.00001.
gnomAD v4.1: 8 of 1,614,030 alleles (0.0005%); highest among the groups gnomAD compares: Admixed American, 0.013%; no homozygotes.

Submissions (6):

GeneDx
Classification: Uncertain significance. Last evaluated: 2024-12-18. Review status: criteria provided, single submitter. Criteria: GeneDx Variant Classification Process June 2021. Collection method: clinical testing. Allele origin: germline. Affected: yes.
Comment: Not observed at significant frequency in large population cohorts (gnomAD); In silico analysis supports that this missense variant has a deleterious effect on protein structure/function; Has not been previously published as pathogenic or benign to our knowledge

Blueprint Genetics
Classification: Uncertain significance. Last evaluated: 2024-07-10. Review status: criteria provided, single submitter. Criteria: ACMG Guidelines, 2015. Collection method: clinical testing. Allele origin: germline.

Color Diagnostics, LLC DBA Color Health
Classification: Uncertain significance for Malignant hyperthermia, susceptibility to, 1. Last evaluated: 2024-02-14. Review status: criteria provided, single submitter. Criteria: ACMG Guidelines, 2015. Collection method: clinical testing. Allele origin: germline.
Comment: This missense variant replaces histidine with arginine at codon 3667 of the RYR1 protein. Computational prediction suggests that this variant may not impact protein structure and function (internally defined REVEL score threshold <= 0.5, PMID: 27666373). To our knowledge, functional studies have not been reported for this variant. This variant has not been reported in individuals affected with RYR1-related disorders in the literature. This variant has been identified in 3/251464 chromosomes in the general population by the Genome Aggregation Database (gnomAD). The available evidence is insufficient to determine the role of this variant in disease conclusively. Therefore, this variant is classified as a Variant of Uncertain Significance.

Ambry Genetics
Classification: Uncertain significance for Inborn genetic diseases. Last evaluated: 2024-01-04. Review status: criteria provided, single submitter. Criteria: Ambry Variant Classification Scheme 2023. Collection method: clinical testing. Allele origin: germline.

Labcorp Genetics (formerly Invitae), Labcorp
Classification: Uncertain significance for RYR1-related disorder. Last evaluated: 2023-12-09. Review status: criteria provided, single submitter. Criteria: Invitae Variant Classification Sherloc (09022015). Collection method: clinical testing. Allele origin: germline.
Comment: This sequence change replaces histidine, which is basic and polar, with arginine, which is basic and polar, at codon 3667 of the RYR1 protein (p.His3667Arg). This variant is present in population databases (no rsID available, gnomAD 0.009%). This variant has not been reported in the literature in individuals affected with RYR1-related conditions. ClinVar contains an entry for this variant (Variation ID: 2047794). Advanced modeling of protein sequence and biophysical properties (such as structural, functional, and spatial information, amino acid conservation, physicochemical variation, residue mobility, and thermodynamic stability) has been performed at Invitae for this missense variant, however the output from this modeling did not meet the statistical confidence thresholds required to predict the impact of this variant on RYR1 protein function. In summary, the available evidence is currently insufficient to determine the role of this variant in disease. Therefore, it has been classified as a Variant of Uncertain Significance.

Revvity Omics, Revvity
Classification: Uncertain significance. Last evaluated: 2021-05-10. Review status: criteria provided, single submitter. Criteria: ACMG Guidelines, 2015. Collection method: clinical testing. Allele origin: germline.